The following is an entry in ClinVar:

ClinVar aggregate classification (germline): Likely benign. Review status: criteria provided, multiple submitters, no conflicts (2 of 4 stars). 2 submissions from 2 submitters: Likely benign (2). Last evaluated 2025-03-12.

Conditions:
PCNT-related disorder. Also called: PCNT-related condition.

Submissions (2):

PreventionGenetics, part of Exact Sciences
Classification: Likely benign for PCNT-related condition. Last evaluated: 2025-03-12. Review status: criteria provided, single submitter. Criteria: ACMG Guidelines, 2015. Collection method: clinical testing. Allele origin: germline.
Comment: This variant is classified as likely benign based on ACMG/AMP sequence variant interpretation guidelines (Richards et al. 2015 PMID: 25741868, with internal and published modifications).

Labcorp Genetics (formerly Invitae), Labcorp
Classification: Likely benign. Last evaluated: 2023-12-04. Review status: criteria provided, single submitter. Criteria: Invitae Variant Classification Sherloc (09022015). Collection method: clinical testing. Allele origin: germline.

NM_006031.6(PCNT):c.873G>A (p.Glu291=)

Gene: PCNT (pericentrin; plus strand). Cytogenetic location: 21q22.3.
Variant type: single nucleotide variant.
Coding change: c.873G>A on transcript NM_006031.6 (MANE Select); coding-DNA position 873, G replaced by A.
Protein change: p.Glu291=; no amino-acid change (glutamic acid 291 retained).
Molecular consequence: synonymous variant.
Genome position (GRCh38, 1-based): chr21:46,346,895, G>A. VCF-style: chr21-46346895-G-A. GRCh37 (hg19) VCF-style: chr21-47766809-G-A.
Other names: c.873G>A (NM_006031.5); c.519G>A, p.Glu173= (NM_001315529.2).
Identifiers: ClinVar variation 2963999 (VCV002963999.4), dbSNP rs766313643, ClinGen allele CA321992968.